The following is an entry in ClinVar:

NM_025074.7(FRAS1):c.988G>T (p.Glu330Ter)

Gene: FRAS1 (Fraser extracellular matrix complex subunit 1; plus strand). Cytogenetic location: 4q21.21.
Variant type: single nucleotide variant.
Coding change: c.988G>T on transcript NM_025074.7 (MANE Select); coding-DNA position 988, G replaced by T.
Protein change: p.Glu330Ter; replaces glutamic acid 330 with a stop codon.
Molecular consequence: nonsense.
Genome position (GRCh38, 1-based): chr4:78,278,661, G>T. VCF-style: chr4-78278661-G-T. GRCh37 (hg19) VCF-style: chr4-79199815-G-T.
Other names: c.988G>T, p.Glu330Ter (NM_001166133.2); short protein forms E330*.
Identifiers: ClinVar variation 2970668 (VCV002970668.4), dbSNP rs755089224, ClinGen allele CA357365232.

ClinVar aggregate classification (germline): Pathogenic/Likely pathogenic. Review status: criteria provided, multiple submitters, no conflicts (2 of 4 stars). 2 submissions from 2 submitters: Pathogenic (1); Likely pathogenic (1). Last evaluated 2023-12-22.

Conditions:
Fraser syndrome 1 (FRASRS1). Also called: CRYPTOPHTHALMOS WITH OTHER MALFORMATIONS. Identifiers: Orphanet 2052, MedGen C4551480, MONDO:0054737, OMIM 219000.

gnomAD v4.1: 3 of 1,582,666 alleles (0.00019%); highest among the groups gnomAD compares: South Asian, 0.0022%; no homozygotes.

Submissions (2):

Labcorp Genetics (formerly Invitae), Labcorp
Classification: Pathogenic. Last evaluated: 2023-12-22. Review status: criteria provided, single submitter. Criteria: Invitae Variant Classification Sherloc (09022015). Collection method: clinical testing. Allele origin: germline.
Comment: This sequence change creates a premature translational stop signal (p.Glu330*) in the FRAS1 gene. It is expected to result in an absent or disrupted protein product. Loss-of-function variants in FRAS1 are known to be pathogenic (PMID: 12766769, 18671281). This variant is not present in population databases (gnomAD no frequency). This variant has not been reported in the literature in individuals affected with FRAS1-related conditions. Algorithms developed to predict the effect of sequence changes on RNA splicing suggest that this variant may disrupt the consensus splice site. For these reasons, this variant has been classified as Pathogenic.

Revvity Omics, Revvity
Classification: Likely pathogenic for Fraser syndrome 1. Last evaluated: 2023-11-30. Review status: criteria provided, single submitter. Criteria: ACMG Guidelines, 2015. Collection method: clinical testing. Allele origin: germline.

Literature cited by the submitters: PubMed 12766769 (cited by Labcorp Genetics (formerly Invitae), Labcorp); PubMed 18671281 (cited by Labcorp Genetics (formerly Invitae), Labcorp).